The following is an entry in ClinVar:

ClinVar aggregate classification (germline): Uncertain significance. Review status: criteria provided, multiple submitters, no conflicts (2 of 4 stars). 2 submissions from 2 submitters: Uncertain significance (2). Last evaluated 2024-11-25.

Conditions:
Pulmonary fibrosis and/or bone marrow failure, Telomere-related, 3. Also called: PULMONARY FIBROSIS AND/OR BONE MARROW FAILURE SYNDROME, TELOMERE-RELATED, 3. Identifiers: Orphanet 2032, MedGen C4225346, MONDO:0014613, OMIM 616373.
Dyskeratosis congenita, autosomal recessive 5 (DKCB5). Identifiers: MedGen C3554656, MONDO:0014076, OMIM 615190.
Inborn genetic diseases. Identifiers: MedGen C0950123, MeSH D030342.

Allele frequency attached by ClinVar (database versions not stated): gnomAD 0.00001; gnomAD exomes 0.00003; ExAC 0.00005.
gnomAD v4.1: 39 of 1,613,548 alleles (0.0024%); highest among the groups gnomAD compares: South Asian, 0.043%; no homozygotes.

Submissions (2):

Ambry Genetics
Classification: Uncertain significance for Inborn genetic diseases. Last evaluated: 2024-11-25. Review status: criteria provided, single submitter. Criteria: Ambry Variant Classification Scheme 2023. Collection method: clinical testing. Allele origin: germline.
Comment: The p.D231E variant (also known as c.693T>A), located in coding exon 7 of the RTEL1 gene, results from a T to A substitution at nucleotide position 693. The aspartic acid at codon 231 is replaced by glutamic acid, an amino acid with highly similar properties. This amino acid position is conserved. In addition, the in silico prediction for this alteration is inconclusive. Based on the available evidence, the clinical significance of this variant remains unclear.

Labcorp Genetics (formerly Invitae), Labcorp
Classification: Uncertain significance for Dyskeratosis congenita, autosomal recessive 5; Pulmonary fibrosis and/or bone marrow failure, Telomere-related, 3. Last evaluated: 2022-09-07. Review status: criteria provided, single submitter. Criteria: Invitae Variant Classification Sherloc (09022015). Collection method: clinical testing. Allele origin: germline.
Comment: This sequence change replaces aspartic acid, which is acidic and polar, with glutamic acid, which is acidic and polar, at codon 231 of the RTEL1 protein (p.Asp231Glu). This variant is present in population databases (rs754113043, gnomAD 0.04%). This variant has not been reported in the literature in individuals affected with RTEL1-related conditions. Algorithms developed to predict the effect of missense changes on protein structure and function are either unavailable or do not agree on the potential impact of this missense change (SIFT: "Deleterious"; PolyPhen-2: "Probably Damaging"; Align-GVGD: "Class C0"). In summary, the available evidence is currently insufficient to determine the role of this variant in disease. Therefore, it has been classified as a Variant of Uncertain Significance.

NM_001283009.2(RTEL1):c.693T>A (p.Asp231Glu)

Genes: RTEL1 (regulator of telomere elongation helicase 1; plus strand), RTEL1-TNFRSF6B (RTEL1-TNFRSF6B readthrough (NMD candidate); plus strand). Cytogenetic location: 20q13.33.
Variant type: single nucleotide variant.
Coding change: c.693T>A on transcript NM_001283009.2 (MANE Select); coding-DNA position 693, T replaced by A.
Protein change: p.Asp231Glu; replaces aspartic acid 231 with glutamic acid.
Molecular consequence: missense variant. On other transcripts: non-coding transcript variant (1).
Genome position (GRCh38, 1-based): chr20:63,667,547, T>A. VCF-style: chr20-63667547-T-A. GRCh37 (hg19) VCF-style: chr20-62298900-T-A.
Other names: c.24T>A, p.Asp8Glu (NM_001283010.1); c.693T>A, p.Asp231Glu (NM_016434.4); c.765T>A, p.Asp255Glu (NM_032957.5); short protein forms D231E, D255E, D8E.
Identifiers: ClinVar variation 2178112 (VCV002178112.2), dbSNP rs754113043, ClinGen allele CA9964397.
Genomic context (GRCh38, chr20:63,667,547, plus strand): 5'-GTCCCGGAACCTGAAGCAGCAAGCCGACATCATATTCATGCCGTACAATTACTTGTTGGA[T>A]GCCAAGGTGGGGGCTCAGTCCTGTAGCTGACGACTCCTGATGTCCAGGGGTGTCCCTGGG-3'
Protein context (NP_001269938.1, residues 221-241): IIFMPYNYLL[Asp231Glu]AKSRRAHNID